The following is an entry in ClinVar:

NM_000390.4(CHM):c.1511-2A>T

Gene: CHM (CHM Rab escort protein; minus strand). Cytogenetic location: Xq21.2.
Variant type: single nucleotide variant.
Coding change: c.1511-2A>T on transcript NM_000390.4 (MANE Select); the canonical splice acceptor site of the intron before coding-DNA position 1511, A replaced by T.
Molecular consequence: splice acceptor variant.
Genome position (GRCh38, 1-based): chrX:85,879,065, T>A on the plus strand (A>T on the coding strand, the complement: CHM is on the minus strand). VCF-style: chrX-85879065-T-A. GRCh37 (hg19) VCF-style: chrX-85134070-T-A.
Other names: c.1067-2A>T (NM_001362519.1, NM_001362517.1, NM_001320959.1 and 1 more transcripts).
Identifiers: ClinVar variation 4855659 (VCV004855659.2).

ClinVar aggregate classification (germline): Likely pathogenic. Review status: criteria provided, multiple submitters, no conflicts (2 of 4 stars). 2 submissions from 2 submitters: Likely pathogenic (2). Last evaluated 2025-08-12.

Conditions:
CHM-related disorders.
Choroideremia. Also called: Chorioretinal scalloped atrophy. Identifiers: Orphanet 180, MedGen C0008525, MONDO:0010557, OMIM 303100, HP:0001139.

Submissions (2):

3billion
Classification: Likely pathogenic for Choroideremia. Last evaluated: 2025-08-12. Review status: criteria provided, single submitter. Criteria: ACMG Guidelines, 2015. Collection method: clinical testing. Allele origin: germline. Affected: yes.
Comment: The variant is not observed in the gnomAD v4.1.0 dataset. Predicted Consequence/Location: Canonical splice site: predicted to alter splicing and result in a loss or disruption of normal protein function. Multiple pathogenic loss-of-function variants are reported downstream of the variant. In silico tools predict the variant to alter splicing and produce an abnormal transcript [SpliceAI: 0.94 (spliceogenicity >=0.2, non-spliceogenicity <0.1)]. Therefore, this variant is classified as Likely pathogenic according to the recommendation of ACMG/AMP guideline.

Blueprint Genetics
Classification: Likely pathogenic for CHM-related disorders. Last evaluated: 2020-03-02. Review status: criteria provided, single submitter. Criteria: ACMG Guidelines, 2015. Collection method: clinical testing. Allele origin: germline. Affected: yes. Observed: 1 variant allele.